The following is an entry in ClinVar:

NM_001348716.2(KDM6B):c.3891G>C (p.Glu1297Asp)

Genes: KDM6B (lysine demethylase 6B; plus strand), LOC121587574 (Sharpr-MPRA regulatory region 3930; plus strand). Cytogenetic location: 17p13.1.
Variant type: single nucleotide variant.
Coding change: c.3891G>C on transcript NM_001348716.2 (MANE Select); coding-DNA position 3891, G replaced by C.
Protein change: p.Glu1297Asp; replaces glutamic acid 1297 with aspartic acid.
Molecular consequence: missense variant.
Genome position (GRCh38, 1-based): chr17:7,851,341, G>C. VCF-style: chr17-7851341-G-C. GRCh37 (hg19) VCF-style: chr17-7754659-G-C.
Other names: c.3891G>C, p.Glu1297Asp (NM_001080424.2); short protein forms E1297D.
Identifiers: ClinVar variation 4987780 (VCV004987780.1).
Genomic context (GRCh38, chr17:7,851,341, plus strand): 5'-GCTCTCGAAAGGTCTCTGACCCAGGCCTGCCTACCCTCTGGCTGAACAGGAGGAGAAGGA[G>C]AGTGAGGATGAGGAGTCAGAGGAGCCAGACAGCACCACTGGAACCCCTCCTAGGTACTGT-3'
Protein context (NP_001335645.1, residues 1287-1307): SFQESLQEEK[Glu1297Asp]SEDEESEEPD

ClinVar aggregate classification (germline): Likely benign (1 of 4 stars; one submission).

Conditions:
KDM6B-related disorder. Also called: KDM6B-related condition.

gnomAD v4.1: 41 of 1,614,154 alleles (0.0025%); highest among the groups gnomAD compares: African/African-American, 0.051%; no homozygotes.

Submission:

PreventionGenetics, part of Exact Sciences
Classification: Likely benign for KDM6B-related condition. Last evaluated: 2024-11-25. Review status: criteria provided, single submitter. Criteria: ACMG Guidelines, 2015. Collection method: clinical testing. Allele origin: germline.
Comment: This variant is classified as likely benign based on ACMG/AMP sequence variant interpretation guidelines (Richards et al. 2015 PMID: 25741868, with internal and published modifications).